The following is an entry in ClinVar:

NM_001271.4(CHD2):c.4108G>A (p.Asp1370Asn)

Gene: CHD2 (chromodomain helicase DNA binding protein 2; plus strand). Cytogenetic location: 15q26.1.
Variant type: single nucleotide variant.
Coding change: c.4108G>A on transcript NM_001271.4 (MANE Select); coding-DNA position 4108, G replaced by A.
Protein change: p.Asp1370Asn; replaces aspartic acid 1370 with asparagine.
Molecular consequence: missense variant.
Genome position (GRCh38, 1-based): chr15:93,000,611, G>A. VCF-style: chr15-93000611-G-A. GRCh37 (hg19) VCF-style: chr15-93543841-G-A.
Other names: short protein forms D1370N.
Identifiers: ClinVar variation 936481 (VCV000936481.10), dbSNP rs2054242398, ClinGen allele CA393900505.

ClinVar aggregate classification (germline): Uncertain significance (1 of 4 stars; one submission).

Conditions:
Developmental and epileptic encephalopathy 94 (DEE94). Also called: Epileptic encephalopathy, childhood-onset; CHD2-Related Neurodevelopmental Disorders. Identifiers: Orphanet 1942, Orphanet 2382, MedGen C3809278, MONDO:0014150, OMIM 615369.

Allele frequency attached by ClinVar (database versions not stated): gnomAD exomes below 0.00001.
gnomAD v4.1: 2 of 1,613,404 alleles (0.00012%); highest among the groups gnomAD compares: South Asian, 0.0011%; no homozygotes.

Submission:

Labcorp Genetics (formerly Invitae), Labcorp
Classification: Uncertain significance for Developmental and epileptic encephalopathy 94. Last evaluated: 2019-08-21. Review status: criteria provided, single submitter. Criteria: Invitae Variant Classification Sherloc (09022015). Collection method: clinical testing. Allele origin: germline.
Comment: In summary, the available evidence is currently insufficient to determine the role of this variant in disease. Therefore, it has been classified as a Variant of Uncertain Significance. Algorithms developed to predict the effect of missense changes on protein structure and function are either unavailable or do not agree on the potential impact of this missense change (SIFT: "Deleterious"; PolyPhen-2: "Probably Damaging"; Align-GVGD: "Class C0"). This variant has not been reported in the literature in individuals with CHD2-related conditions. This variant is not present in population databases (ExAC no frequency). This sequence change replaces aspartic acid with asparagine at codon 1370 of the CHD2 protein (p.Asp1370Asn). The aspartic acid residue is highly conserved and there is a small physicochemical difference between aspartic acid and asparagine.